The following is an entry in ClinVar:

ClinVar aggregate classification (germline): Uncertain significance (1 of 4 stars; one submission).

gnomAD v4.1: 1 of 1,604,538 alleles (0.000062%); highest among the groups gnomAD compares: Non-Finnish European, 0.000085%; no homozygotes.

Submission:

Ambry Genetics
Classification: Uncertain significance. Last evaluated: 2021-10-08. Review status: criteria provided, single submitter. Criteria: Ambry Variant Classification Scheme 2023. Collection method: clinical testing. Allele origin: germline.
Comment: The p.V421L variant (also known as c.1261G>C) is located in coding exon 5 of the PALLD gene. The valine at codon 421 is replaced by leucine, an amino acid with highly similar properties. This change occurs in the first base pair of coding exon 5. This amino acid position is conserved. In addition, the in silico prediction for this alteration is inconclusive. Since supporting evidence is limited at this time, the clinical significance of this alteration remains unclear.

NM_001166108.2(PALLD):c.1261G>C (p.Val421Leu)

Gene: PALLD (palladin, cytoskeletal associated protein; plus strand). Cytogenetic location: 4q32.3.
Variant type: single nucleotide variant.
Coding change: c.1261G>C on transcript NM_001166108.2 (MANE Select); coding-DNA position 1261, G replaced by C.
Protein change: p.Val421Leu; replaces valine 421 with leucine.
Molecular consequence: missense variant.
Genome position (GRCh38, 1-based): chr4:168,685,485, G>C. VCF-style: chr4-168685485-G-C. GRCh37 (hg19) VCF-style: chr4-169606636-G-C.
Other names: c.115G>C, p.Val39Leu (NM_001166109.2); c.1261G>C, p.Val421Leu (NM_016081.4); short protein forms V39L, V421L.
Identifiers: ClinVar variation 1763337 (VCV001763337.2), dbSNP rs2531609698, ClinGen allele CA358794378.